The following is an entry in ClinVar:

NM_153026.3(PRICKLE1):c.237T>G (p.His79Gln)

Gene: PRICKLE1 (prickle planar cell polarity protein 1; minus strand). Cytogenetic location: 12q12.
Variant type: single nucleotide variant.
Coding change: c.237T>G on transcript NM_153026.3 (MANE Select); coding-DNA position 237, T replaced by G.
Protein change: p.His79Gln; replaces histidine 79 with glutamine.
Molecular consequence: missense variant.
Genome position (GRCh38, 1-based): chr12:42,470,255, A>C on the plus strand (T>G on the coding strand, the complement: PRICKLE1 is on the minus strand). VCF-style: chr12-42470255-A-C. GRCh37 (hg19) VCF-style: chr12-42864057-A-C.
Other names: c.237T>G, p.His79Gln (NM_001144881.2, NM_001144882.2, NM_001144883.2); short protein forms H79Q.
Identifiers: ClinVar variation 1425600 (VCV001425600.8), dbSNP rs2140118839, ClinGen allele CA384444445.

ClinVar aggregate classification (germline): Uncertain significance (1 of 4 stars; one submission).

Conditions:
Epilepsy, progressive myoclonic, 1B. Also called: PME. Identifiers: Orphanet 308, MedGen C2676254, MONDO:0012904, OMIM 612437.

gnomAD v4.1: 3 of 1,607,760 alleles (0.00019%); highest among the groups gnomAD compares: Non-Finnish European, 0.00026%; no homozygotes.

Submission:

Labcorp Genetics (formerly Invitae), Labcorp
Classification: Uncertain significance for Epilepsy, progressive myoclonic, 1B. Last evaluated: 2022-09-07. Review status: criteria provided, single submitter. Criteria: Invitae Variant Classification Sherloc (09022015). Collection method: clinical testing. Allele origin: germline.
Comment: In summary, the available evidence is currently insufficient to determine the role of this variant in disease. Therefore, it has been classified as a Variant of Uncertain Significance. Algorithms developed to predict the effect of sequence changes on RNA splicing suggest that this variant may create or strengthen a splice site. Algorithms developed to predict the effect of missense changes on protein structure and function are either unavailable or do not agree on the potential impact of this missense change (SIFT: "Deleterious"; PolyPhen-2: "Benign"; Align-GVGD: "Class C15"). ClinVar contains an entry for this variant (Variation ID: 1425600). This variant has not been reported in the literature in individuals affected with PRICKLE1-related conditions. This variant is not present in population databases (gnomAD no frequency). This sequence change replaces histidine, which is basic and polar, with glutamine, which is neutral and polar, at codon 79 of the PRICKLE1 protein (p.His79Gln).